The following is an entry in ClinVar:

NM_000059.4(BRCA2):c.9610_9611del (p.Thr3204fs)

Gene: BRCA2 (BRCA2 DNA repair associated; plus strand). Cytogenetic location: 13q13.1.
Variant type: Microsatellite.
Coding change: c.9610_9611del on transcript NM_000059.4 (MANE Select); coding-DNA positions 9610 to 9611, 2 bases deleted (AC; older notation c.9610_9611delAC).
Protein change: p.Thr3204fs; shifts the reading frame from threonine 3204.
Molecular consequence: frameshift variant.
Genome position (GRCh38, 1-based): chr13:32,397,006-32,397,007, AC deleted; deleting any 2 consecutive bases within chr13:32,397,004-32,397,007 gives the same sequence; the c. name uses the placement nearest the transcript's 3' end. VCF-style (leftmost placement, unchanged base first): chr13-32397003-TAC-T. GRCh37 (hg19) VCF-style: chr13-32971140-TAC-T.
Other names: c.9610_9611delAC (NM_000059.3); short protein forms T3204fs.
Identifiers: ClinVar variation 479401 (VCV000479401.5), dbSNP rs1555289791, ClinGen allele CA658656377.

ClinVar aggregate classification (germline): Pathogenic (1 of 4 stars; one submission).

Conditions:
Hereditary cancer-predisposing syndrome. Also called: Neoplastic Syndromes, Hereditary; Hereditary Cancer Syndrome; Hereditary neoplastic syndrome; Tumor predisposition. Identifiers: Orphanet 140162, MedGen C0027672, MeSH D009386, MONDO:0015356.

Submission:

Ambry Genetics
Classification: Pathogenic for Hereditary cancer-predisposing syndrome. Last evaluated: 2017-08-02. Review status: criteria provided, single submitter. Criteria: Ambry Variant Classification Scheme 2023. Collection method: clinical testing. Allele origin: germline.
Comment: The c.9610_9611delAC variant, located in coding exon 25 of the BRCA2 gene, results from a deletion of two nucleotides at nucleotide positions 9610 to 9611, causing a translational frameshift with a predicted alternate stop codon (p.T3204Cfs*17). This alteration is expected to result in loss of function by premature protein truncation or nonsense-mediated mRNA decay. As such, this alteration is interpreted as a disease-causing mutation.